The following is an entry in ClinVar:

NM_000257.4(MYH7):c.1000-7C>T

Gene: MYH7 (myosin heavy chain 7; minus strand). Cytogenetic location: 14q11.2.
Variant type: single nucleotide variant.
Coding change: c.1000-7C>T on transcript NM_000257.4 (MANE Select); 7 bases into the intron before coding-DNA position 1000, C replaced by T.
Molecular consequence: intron variant.
Genome position (GRCh38, 1-based): chr14:23,429,920, G>A on the plus strand (C>T on the coding strand, the complement: MYH7 is on the minus strand). VCF-style: chr14-23429920-G-A. GRCh37 (hg19) VCF-style: chr14-23899129-G-A.
Identifiers: ClinVar variation 42816 (VCV000042816.61), dbSNP rs200129563, ClinGen allele CA010035.
Genomic context (GRCh38, chr14:23,429,920, plus strand): 5'-CTTATACATGGAGTTTTTCTCCTCTGAAGTGAAGCCCAGCACATCAAAAGCGTTCTGTAG[G>A]GAGGCCCCATATTGGCGGACCCCAGAAAAAGAAGTATGATGGGTAAGTGAGATCCCTTGT-3'

ClinVar aggregate classification (germline): Conflicting classifications of pathogenicity. Review status: criteria provided, conflicting classifications (1 of 4 stars). 14 submissions from 11 submitters: Uncertain significance (2); Benign (1); Likely benign (10). 1 of the submissions does not count toward it. Last evaluated 2026-01-27.

Conditions:
Myosin storage myopathy (CMYO7A). Also called: MYOPATHY WITH LYSIS OF TYPE I MYOFIBRILS; MYOPATHY, HYALINE BODY, AUTOSOMAL DOMINANT; SCAPULOPERONEAL MUSCULAR DYSTROPHY; SCAPULOPERONEAL SYNDROME, MYOPATHIC TYPE; MYH7-related late-onset scapuloperoneal muscular dystrophy; Congenital myopathy 7A, myosin storage, autosomal dominant. Identifiers: Orphanet 437572, Orphanet 636965, MedGen C1842160, MONDO:0008409, OMIM 608358.
Cardiomyopathy (CMYO). Also called: Cardiomyopathies. Identifiers: Orphanet 167848, MedGen C0878544, MONDO:0004994, HP:0001638. Inheritance: Various modes of inheritance.
MYH7-related skeletal myopathy. Also called: Myopathy, distal, 1; Laing distal myopathy; MYOPATHY, DISTAL, EARLY-ONSET, AUTOSOMAL DOMINANT; MYOPATHY, LATE DISTAL HEREDITARY; Laing early-onset distal myopathy. Identifiers: Orphanet 59135, MedGen C4552004, MONDO:0008050, OMIM 160500.
Dilated cardiomyopathy 1S (CMD1S). Identifiers: Orphanet 154, Orphanet 54260, MedGen C1834481, MONDO:0013262, OMIM 613426.
Hypertrophic cardiomyopathy 1 (CMH1). Also called: Familial hypertrophic cardiomyopathy 1; MYH7-Related Familial Hypertrophic Cardiomyopathy. Identifiers: MedGen C3495498, MONDO:0008647, OMIM 192600.
Hypertrophic cardiomyopathy. Also called: HYPERTROPHIC MYOCARDIOPATHY. Identifiers: Orphanet 217569, MedGen C0007194, MeSH D002312, MONDO:0005045, HP:0001639.

Allele frequency attached by ClinVar (database versions not stated): gnomAD 0.00006 and 0.00007; gnomAD exomes 0.00006 and 0.00008; TOPMed 0.00006; ExAC 0.00007; 1000 Genomes Project 30x 0.00016; 1000 Genomes Project 0.00020.
gnomAD v4.1: 139 of 1,613,932 alleles (0.0086%); highest among the groups gnomAD compares: Middle Eastern, 0.2%; no homozygotes.

Submissions (14):

Labcorp Genetics (formerly Invitae), Labcorp
Classification: Likely benign for Hypertrophic cardiomyopathy. Last evaluated: 2026-01-27. Review status: criteria provided, single submitter. Criteria: Invitae Variant Classification Sherloc (09022015). Collection method: clinical testing. Allele origin: germline.

Blueprint Genetics
Classification: Likely benign. Last evaluated: 2024-06-27. Review status: criteria provided, single submitter. Criteria: ACMG Guidelines, 2015. Collection method: clinical testing. Allele origin: germline.

CeGaT Center for Human Genetics Tuebingen
Classification: Likely benign. Last evaluated: 2024-04-01. Review status: criteria provided, single submitter. Criteria: CeGaT Center For Human Genetics Tuebingen Variant Classification Criteria Version 2. Collection method: clinical testing. Allele origin: germline. Affected: yes. Observed: 6 variant alleles.
Comment: MYH7: BP4

All of Us Research Program, National Institutes of Health
Classification: Likely benign for Cardiomyopathy. Last evaluated: 2023-12-13. Review status: criteria provided, single submitter. Criteria: ACMG Guidelines, 2015. Collection method: clinical testing. Allele origin: germline. Inheritance: Autosomal dominant inheritance. Observed: 19 variant alleles, 19 heterozygotes.
Comment: This study involves interpretation of variants in research participants for the purpose of population health screening. Participant phenotype was not available at the time of variant classification. Additional details can be found in publication PMID: 35346344, PMCID: PMC8962531

CHEO Genetics Diagnostic Laboratory, Children's Hospital of Eastern Ontario
Classification: Uncertain significance for Cardiomyopathy. Last evaluated: 2023-06-20. Review status: criteria provided, single submitter. Criteria: ACMG Guidelines, 2015. Collection method: clinical testing. Allele origin: germline. Study: Canadian Open Genetics Repository.

Illumina Laboratory Services, Illumina
Classification: Likely benign for Myosin storage myopathy. Last evaluated: 2019-10-22. Review status: criteria provided, single submitter. Criteria: ICSL Variant Classification Criteria 13 December 2019. Collection method: clinical testing. Allele origin: germline.
Comment: This variant was observed as part of a predisposition screen in an ostensibly healthy population. A literature search was performed for the gene, cDNA change, and amino acid change (where applicable). No publications were found based on this search. Allele frequency data from public databases allowed determination this variant is unlikely to cause disease. Therefore, this variant is classified as likely benign.

Illumina Laboratory Services, Illumina
Classification: Likely benign for Dilated cardiomyopathy 1S. Last evaluated: 2019-10-22. Review status: criteria provided, single submitter. Criteria: ICSL Variant Classification Criteria 13 December 2019. Collection method: clinical testing. Allele origin: germline.
Comment: the same text as in the submission from Illumina Laboratory Services, Illumina above.

Illumina Laboratory Services, Illumina
Classification: Likely benign for Hypertrophic cardiomyopathy 1. Last evaluated: 2019-10-22. Review status: criteria provided, single submitter. Criteria: ICSL Variant Classification Criteria 13 December 2019. Collection method: clinical testing. Allele origin: germline.
Comment: the same text as in the submission from Illumina Laboratory Services, Illumina above.

Illumina Laboratory Services, Illumina
Classification: Likely benign for MYH7-related skeletal myopathy. Last evaluated: 2019-10-22. Review status: criteria provided, single submitter. Criteria: ICSL Variant Classification Criteria 13 December 2019. Collection method: clinical testing. Allele origin: germline.
Comment: the same text as in the submission from Illumina Laboratory Services, Illumina above.

Color Diagnostics, LLC DBA Color Health
Classification: Likely benign for Cardiomyopathy. Last evaluated: 2019-01-06. Review status: criteria provided, single submitter. Criteria: ACMG Guidelines, 2015. Collection method: clinical testing. Allele origin: germline.

Eurofins Ntd Llc (ga)
Classification: Uncertain significance. Last evaluated: 2017-01-23. Review status: criteria provided, single submitter. Criteria: EGL Classification Definitions 2015. Collection method: clinical testing. Allele origin: germline. Observed: 1 variant allele, 1 heterozygote.

Laboratory for Molecular Medicine, Mass General Brigham Personalized Medicine
Classification: Likely benign. Last evaluated: 2015-06-25. Review status: criteria provided, single submitter. Criteria: LMM Criteria. Collection method: clinical testing. Allele origin: germline. Observed: 3 variant alleles.
Comment: c.1000-7C>T in intron 11 of MYH7: This variant is not expected to have clinical significance because a C>T change at this position does not diverge from the spl ice consensus sequence and is therefore unlikely to impact splicing. It has been identified in 2/10376 of African chromosomes and 2/11550 of Latino chromosomes by the Exome Aggregation Consortium (ExAC; dbSN P rs200129563).

GeneDx
Classification: Benign. Last evaluated: 2015-03-03. Review status: criteria provided, single submitter. Criteria: GeneDx Variant Classification Process June 2021. Collection method: clinical testing. Allele origin: germline. Affected: yes.

Agnes Ginges Centre for Molecular Cardiology, Centenary Institute
Classification: Uncertain significance for Hypertrophic cardiomyopathy. Last evaluated: 2019-11-26. Review status: no assertion criteria provided. Collection method: research. Allele origin: germline. Inheritance: Autosomal dominant inheritance. Affected: yes. Not counted in ClinVar's aggregate classification.
Comment: The MYH7 c.1000-7C>T variant has not been previously reported in literature, but has been seen identified in 2 HCM cases by another laboratory (ClinVar SCV000059343). The variant is present at an elevated frequency in the Genome Aggregation Database. In summary, based on rarity in the general population, and our limited familial data, we classify MYH7 c.1000-7C>T as a variant of "uncertain significance".